The following is an entry in ClinVar:

ClinVar aggregate classification (germline): Pathogenic (1 of 4 stars; one submission).

Conditions:
GTP cyclohydrolase I deficiency. Identifiers: MedGen C0268467, MONDO:0100184.
Dystonia 5 (DRD). Also called: GTP Cyclohydrolase 1-Deficient Dopa-Responsive Dystonia; DYSTONIA, PROGRESSIVE, WITH DIURNAL VARIATION; DYSTONIA-PARKINSONISM WITH DIURNAL FLUCTUATION; Dystonia, DOPA-responsive, with or without hyperphenylalaninemia; DYT-GCH1. Identifiers: Orphanet 98808, MedGen C1851920, MONDO:0007495, OMIM 128230.

Submission:

Labcorp Genetics (formerly Invitae), Labcorp
Classification: Pathogenic for GTP cyclohydrolase I deficiency; Dystonia 5. Last evaluated: 2021-10-16. Review status: criteria provided, single submitter. Criteria: Invitae Variant Classification Sherloc (09022015). Collection method: clinical testing. Allele origin: germline.
Comment: This sequence change creates a premature translational stop signal (p.Leu71Argfs*9) in the GCH1 gene. It is expected to result in an absent or disrupted protein product. Loss-of-function variants in GCH1 are known to be pathogenic (PMID: 9667588, 19332422, 19491146, 25557619). This variant is not present in population databases (ExAC no frequency). This premature translational stop signal has been observed in individual(s) with dopa-responsive dystonia (PMID: 9566388). For these reasons, this variant has been classified as Pathogenic.

Literature cited by the submitters: PubMed 9667588; PubMed 19332422; PubMed 19491146; PubMed 25557619; PubMed 9566388.

NM_000161.3(GCH1):c.212del (p.Leu71fs)

Gene: GCH1 (GTP cyclohydrolase 1; minus strand). Cytogenetic location: 14q22.2.
Variant type: Deletion.
Coding change: c.212del on transcript NM_000161.3 (MANE Select); coding-DNA position 212, one base deleted (T; older notation c.212delT).
Protein change: p.Leu71fs; shifts the reading frame from leucine 71.
Molecular consequence: frameshift variant.
Genome position (GRCh38, 1-based): chr14:54,902,452, A deleted on the plus strand (T on the coding strand, the reverse complement: GCH1 is on the minus strand). VCF-style (leftmost placement, unchanged base first): chr14-54902451-CA-C. GRCh37 (hg19) VCF-style: chr14-55369169-CA-C.
Other names: c.212del, p.Leu71fs (NM_001024024.2, NM_001024070.2, NM_001024071.2); short protein forms L71fs.
Identifiers: ClinVar variation 1419261 (VCV001419261.6), dbSNP rs2140127278, ClinGen allele CA2573149962.